The following is an entry in ClinVar:

ClinVar aggregate classification (germline): Uncertain significance (1 of 4 stars; one submission).

Conditions:
KDM6B-related disorder. Also called: KDM6B-related condition.

Submission:

PreventionGenetics, part of Exact Sciences
Classification: Uncertain significance for KDM6B-related condition. Last evaluated: 2026-06-26. Review status: criteria provided, single submitter. Criteria: ACMG Guidelines, 2015. Collection method: clinical testing. Allele origin: germline.
Comment: The KDM6B c.2072T>C variant is predicted to result in the amino acid substitution p.Leu691Pro. To our knowledge, this variant has not been reported in the literature or in a large population database (gnomAD), indicating this variant is rare. At this time, the clinical significance of this variant is uncertain due to the absence of conclusive functional and genetic evidence.

NM_001348716.2(KDM6B):c.2072T>C (p.Leu691Pro)

Gene: KDM6B (lysine demethylase 6B; plus strand). Cytogenetic location: 17p13.1.
Variant type: single nucleotide variant.
Coding change: c.2072T>C on transcript NM_001348716.2 (MANE Select); coding-DNA position 2072, T replaced by C.
Protein change: p.Leu691Pro; replaces leucine 691 with proline.
Molecular consequence: missense variant.
Genome position (GRCh38, 1-based): chr17:7,848,360, T>C. VCF-style: chr17-7848360-T-C. GRCh37 (hg19) VCF-style: chr17-7751678-T-C.
Other names: c.2072T>C, p.Leu691Pro (NM_001080424.2); short protein forms L691P.
Identifiers: ClinVar variation 4993088 (VCV004993088.1).